The following is an entry in ClinVar:

NM_001909.5(CTSD):c.608A>T (p.Tyr203Phe)

Gene: CTSD (cathepsin D; minus strand). Cytogenetic location: 11p15.5.
Variant type: single nucleotide variant.
Coding change: c.608A>T on transcript NM_001909.5 (MANE Select); coding-DNA position 608, A replaced by T.
Protein change: p.Tyr203Phe; replaces tyrosine 203 with phenylalanine.
Molecular consequence: missense variant.
Genome position (GRCh38, 1-based): chr11:1,757,420, T>A on the plus strand (A>T on the coding strand, the complement: CTSD is on the minus strand). VCF-style: chr11-1757420-T-A. GRCh37 (hg19) VCF-style: chr11-1778650-T-A.
Other names: short protein forms Y203F.
Identifiers: ClinVar variation 1473669 (VCV001473669.7), dbSNP rs1590906292, ClinGen allele CA379096025.
Genomic context (GRCh38, chr11:1,757,420, plus strand): 5'-AGCTTCTGCTGCATCAGGTTGTCGAAGACGGGCAGCACGTTGTTGACGGAGATGCGGGGG[T>A]AGGCCATGCCCAGGATGCCATCGAACTTGGCTGCGATGAAGGTGATGCCTGGCTGCTTGG-3'
Protein context (NP_001900.1, residues 193-213): AKFDGILGMA[Tyr203Phe]PRISVNNVLP

ClinVar aggregate classification (germline): Uncertain significance (1 of 4 stars; one submission).

Conditions:
Neuronal ceroid lipofuscinosis. Also called: Neuronal Ceroid Lipofuscinoses. Identifiers: Orphanet 216, Orphanet 79263, MedGen C0027877, MONDO:0016295. Disease mechanism: loss of function.

Submission:

Labcorp Genetics (formerly Invitae), Labcorp
Classification: Uncertain significance for Neuronal ceroid lipofuscinosis. Last evaluated: 2021-06-29. Review status: criteria provided, single submitter. Criteria: Invitae Variant Classification Sherloc (09022015). Collection method: clinical testing. Allele origin: germline.
Comment: In summary, the available evidence is currently insufficient to determine the role of this variant in disease. Therefore, it has been classified as a Variant of Uncertain Significance. Algorithms developed to predict the effect of missense changes on protein structure and function are either unavailable or do not agree on the potential impact of this missense change (SIFT: "Tolerated"; PolyPhen-2: "Possibly Damaging"; Align-GVGD: "Class C0"). This variant has not been reported in the literature in individuals with CTSD-related conditions. This variant is not present in population databases (ExAC no frequency). This sequence change replaces tyrosine with phenylalanine at codon 203 of the CTSD protein (p.Tyr203Phe). The tyrosine residue is highly conserved and there is a small physicochemical difference between tyrosine and phenylalanine.